The following is an entry in ClinVar:

ClinVar aggregate classification (germline): Uncertain significance (1 of 4 stars; one submission).

Conditions:
Brugada syndrome 8 (BRGDA8). Identifiers: Orphanet 130, MedGen C2751083, MONDO:0013148, OMIM 613123.

Submission:

Labcorp Genetics (formerly Invitae), Labcorp
Classification: Uncertain significance for Brugada syndrome 8. Last evaluated: 2023-04-06. Review status: criteria provided, single submitter. Criteria: Invitae Variant Classification Sherloc (09022015). Collection method: clinical testing. Allele origin: germline.
Comment: This variant, c.1597_1608del, results in the deletion of 4 amino acid(s) of the HCN4 protein (p.Gln533_Gln536del), but otherwise preserves the integrity of the reading frame. This variant is not present in population databases (gnomAD no frequency). This variant has not been reported in the literature in individuals affected with HCN4-related conditions. Experimental studies and prediction algorithms are not available or were not evaluated, and the functional significance of this variant is currently unknown. Algorithms developed to predict the effect of sequence changes on RNA splicing suggest that this variant may create or strengthen a splice site. In summary, the available evidence is currently insufficient to determine the role of this variant in disease. Therefore, it has been classified as a Variant of Uncertain Significance.

NM_005477.3(HCN4):c.1597_1608del (p.Gln533_Gln536del)

Gene: HCN4 (hyperpolarization activated cyclic nucleotide gated potassium channel 4; minus strand). Cytogenetic location: 15q24.1.
Variant type: Deletion.
Coding change: c.1597_1608del on transcript NM_005477.3 (MANE Select); coding-DNA positions 1597 to 1608, 12 bases deleted (CAGGTGGAGCAG).
Protein change: p.Gln533_Gln536del.
Molecular consequence: inframe deletion.
Genome position (GRCh38, 1-based): chr15:73,325,427-73,325,438, CTGCTCCACCTG deleted on the plus strand (CAGGTGGAGCAG on the coding strand, the reverse complement: HCN4 is on the minus strand); deleting any 12 consecutive bases within chr15:73,325,427-73,325,440 gives the same sequence; the c. name uses the placement nearest the transcript's 3' end. VCF-style (leftmost placement, unchanged base first): chr15-73325426-ACTGCTCCACCTG-A. GRCh37 (hg19) VCF-style: chr15-73617767-ACTGCTCCACCTG-A.
Identifiers: ClinVar variation 2852886 (VCV002852886.3), dbSNP rs2549070200, ClinGen allele CA2739269580.
Genomic context (GRCh38, chr15:73,325,426, plus strand): 5'-GCTCGTAGTAGTCGTGGATGCGCTGCCGGGTGTCGGGCGGGAGCTTGTGAAAGGACATGT[ACTGCTCCACCTG>A]CTTGTACTGAGGCCGGGAGAAGGGGGCGTCAGCTCCACCCCACCAGGGGGCGTCAGCAGC-3'